The following is an entry in ClinVar:

ClinVar aggregate classification (germline): Uncertain significance (1 of 4 stars; one submission).

Submission:

Labcorp Genetics (formerly Invitae), Labcorp
Classification: Uncertain significance. Last evaluated: 2024-10-24. Review status: criteria provided, single submitter. Criteria: Invitae Variant Classification Sherloc (09022015). Collection method: clinical testing. Allele origin: germline.
Comment: This sequence change replaces asparagine, which is neutral and polar, with serine, which is neutral and polar, at codon 332 of the LRIT3 protein (p.Asn332Ser). This variant is not present in population databases (gnomAD no frequency). This variant has not been reported in the literature in individuals affected with LRIT3-related conditions. ClinVar contains an entry for this variant (Variation ID: 2006040). An algorithm developed to predict the effect of missense changes on protein structure and function (PolyPhen-2) suggests that this variant is likely to be disruptive. In summary, the available evidence is currently insufficient to determine the role of this variant in disease. Therefore, it has been classified as a Variant of Uncertain Significance.

NM_198506.5(LRIT3):c.995A>G (p.Asn332Ser)

Gene: LRIT3 (leucine rich repeat, Ig-like and transmembrane domains 3; plus strand). Cytogenetic location: 4q25.
Variant type: single nucleotide variant.
Coding change: c.995A>G on transcript NM_198506.5 (MANE Select); coding-DNA position 995, A replaced by G.
Protein change: p.Asn332Ser; replaces asparagine 332 with serine.
Molecular consequence: missense variant.
Genome position (GRCh38, 1-based): chr4:109,869,744, A>G. VCF-style: chr4-109869744-A-G. GRCh37 (hg19) VCF-style: chr4-110790900-A-G.
Other names: short protein forms N332S.
Identifiers: ClinVar variation 2006040 (VCV002006040.4), dbSNP rs2545589555, ClinGen allele CA357870084.
Genomic context (GRCh38, chr4:109,869,744, plus strand): 5'-TAATGAGCTTGACAGGCATTTCTTCCAAAGACGCTGGGGATTACAAATGTAAGGCCAAAA[A>G]TCTGGCTGGGATGTCAGAAGCTGTGGTTACTGTGACAGTGCTTGGCATTACCACAACTCC-3'
Protein context (NP_940908.3, residues 322-342): DAGDYKCKAK[Asn332Ser]LAGMSEAVVT